The following is an entry in ClinVar:

ClinVar aggregate classification (germline): Uncertain significance. Review status: criteria provided, multiple submitters, no conflicts (2 of 4 stars). 8 submissions from 8 submitters: Uncertain significance (8). Last evaluated 2025-11-19.

Conditions:
MYL2-related disorder. Also called: MYL2-related condition; MYL2-related disease; MYL2-related disorders.
Cardiovascular phenotype. Identifiers: MedGen CN230736.
Arrhythmogenic right ventricular cardiomyopathy (ARVD). Also called: Cardiomyopathy, ARVC; Arrhythmogenic right ventricular dysplasia; Arrhythmogenic Right Ventricular Cardiomyopathy (ARVC); Arrhythmogenic cardiomyopathy. Identifiers: Orphanet 247, MedGen C0349788, MeSH D019571, MONDO:0016587. Disease mechanism: loss of function. Inheritance: Various modes of inheritance.
Cardiomyopathy (CMYO). Also called: Cardiomyopathies. Identifiers: Orphanet 167848, MedGen C0878544, MONDO:0004994, HP:0001638. Inheritance: Various modes of inheritance.
Hypertrophic cardiomyopathy 10. Also called: CARDIOMYOPATHY, HYPERTROPHIC, MID-LEFT VENTRICULAR CHAMBER TYPE, 2; MYL2-Related Familial Hypertrophic Cardiomyopathy. Identifiers: MedGen C1834460, MONDO:0012112, OMIM 608758.
Hypertrophic cardiomyopathy. Also called: HYPERTROPHIC MYOCARDIOPATHY. Identifiers: Orphanet 217569, MedGen C0007194, MeSH D002312, MONDO:0005045, HP:0001639.

Allele frequency attached by ClinVar (database versions not stated): ExAC 0.00001; gnomAD exomes 0.00002; gnomAD 0.00005.
gnomAD v4.1: 52 of 1,612,276 alleles (0.0032%); highest among the groups gnomAD compares: Non-Finnish European, 0.0042%; no homozygotes.

Submissions (8):

Labcorp Genetics (formerly Invitae), Labcorp
Classification: Uncertain significance for Hypertrophic cardiomyopathy 10. Last evaluated: 2025-11-19. Review status: criteria provided, single submitter. Criteria: Invitae Variant Classification Sherloc (09022015). Collection method: clinical testing. Allele origin: germline.
Comment: This sequence change replaces aspartic acid, which is acidic and polar, with asparagine, which is neutral and polar, at codon 145 of the MYL2 protein (p.Asp145Asn). This variant is present in population databases (rs199567559, gnomAD 0.004%). This missense change has been observed in individual(s) with hypertrophic cardiomyopathy (PMID: 28611029, 35629155). ClinVar contains an entry for this variant (Variation ID: 191733). An algorithm developed to predict the effect of missense changes on protein structure and function (PolyPhen-2) suggests that this variant is likely to be disruptive. In summary, the available evidence is currently insufficient to determine the role of this variant in disease. Therefore, it has been classified as a Variant of Uncertain Significance.

PreventionGenetics, part of Exact Sciences
Classification: Uncertain significance for MYL2-related condition. Last evaluated: 2025-05-28. Review status: criteria provided, single submitter. Criteria: ACMG Guidelines, 2015. Collection method: clinical testing. Allele origin: germline.
Comment: The MYL2 c.433G>A variant is predicted to result in the amino acid substitution p.Asp145Asn. This variant was reported in an individual with hypertrophic cardiomyopathy (Haskell et al. 2017. PubMed ID: 28611029). This variant is reported in 0.0036% of alleles in individuals of European (Non-Finnish) descent in gnomAD. At this time, the clinical significance of this variant is uncertain due to the absence of conclusive functional and genetic evidence.

All of Us Research Program, National Institutes of Health
Classification: Uncertain significance for Hypertrophic cardiomyopathy. Last evaluated: 2024-07-20. Review status: criteria provided, single submitter. Criteria: ACMG Guidelines, 2015. Collection method: clinical testing. Allele origin: germline. Inheritance: Autosomal dominant inheritance. Observed: 14 variant alleles, 14 heterozygotes.
Comment: This missense variant replaces aspartic acid with asparagine at codon 145 of the MYL2 protein. Computational prediction is inconclusive regarding the impact of this variant on protein structure and function (internally defined REVEL score threshold 0.5 < inconclusive < 0.7, PMID: 27666373). To our knowledge, functional studies have not been reported for this variant. This variant has been reported in an individual affected with hypertrophic cardiomyopathy (PMID: 28611029). This variant has been identified in 5/249004 chromosomes in the general population by the Genome Aggregation Database (gnomAD). The available evidence is insufficient to determine the role of this variant in disease conclusively. Therefore, this variant is classified as a Variant of Uncertain Significance.

This study involves interpretation of variants in research participants for the purpose of population health screening. Participant phenotype was not available at the time of variant classification. Additional details can be found in publication PMID: 35346344, PMCID: PMC8962531

Color Diagnostics, LLC DBA Color Health
Classification: Uncertain significance for Cardiomyopathy. Last evaluated: 2024-03-25. Review status: criteria provided, single submitter. Criteria: ACMG Guidelines, 2015. Collection method: clinical testing. Allele origin: germline.
Comment: This missense variant replaces aspartic acid with asparagine at codon 145 of the MYL2 protein. Computational prediction tools indicate that this variant's impact on protein structure and function is inconclusive. To our knowledge, functional studies have not been reported for this variant. This variant has been reported in one individual affected with hypertrophic cardiomyopathy (PMID: 28611029). This variant has been identified in 5/249004 chromosomes in the general population by the Genome Aggregation Database (gnomAD). The available evidence is insufficient to determine the role of this variant in disease conclusively. Therefore, this variant is classified as a Variant of Uncertain Significance.

Women's Health and Genetics/Laboratory Corporation of America, LabCorp
Classification: Uncertain significance. Last evaluated: 2023-07-10. Review status: criteria provided, single submitter. Criteria: LabCorp Variant Classification Summary - May 2015. Collection method: clinical testing. Allele origin: germline.
Comment: Variant summary: MYL2 c.433G>A (p.Asp145Asn) results in a conservative amino acid change located in the EF-hand domain (IPR002048) of the encoded protein sequence. Four of five in-silico tools predict a damaging effect of the variant on protein function. The variant allele was found at a frequency of 2e-05 in 249004 control chromosomes. The available data on variant occurrences in the general population are insufficient to allow any conclusion about variant significance. c.433G>A has been reported in the literature in at least one individual affected with Hypertrophic Cardiomyopathy, reported as a VUS (example: Haskell_2017). These report(s) do not provide unequivocal conclusions about association of the variant with Hypertrophic Cardiomyopathy. To our knowledge, no experimental evidence demonstrating an impact on protein function has been reported. The following publications have been ascertained in the context of this evaluation (PMID: 28611029, 35629155). Five submitters have cited clinical-significance assessments for this variant to ClinVar after 2014. All submitters classified the variant as uncertain significance. Based on the evidence outlined above, the variant was classified as uncertain significance.

Ambry Genetics
Classification: Uncertain significance for Cardiovascular phenotype. Last evaluated: 2023-04-12. Review status: criteria provided, single submitter. Criteria: Ambry Variant Classification Scheme 2023. Collection method: clinical testing. Allele origin: germline.
Comment: The p.D145N variant (also known as c.433G>A), located in coding exon 7 of the MYL2 gene, results from a G to A substitution at nucleotide position 433. The aspartic acid at codon 145 is replaced by asparagine, an amino acid with highly similar properties. This variant was identified in an individual with hypertrophic cardiomyopathy; howerver, clinical details were limited (Haskell GT et al. Circ Cardiovasc Genet, 2017 Jun;10). This variant was also reported as a secondary cardiac variant in an exome cohort (Ng D et al. Circ Cardiovasc Genet, 2013 Aug;6:337-46). This amino acid position is highly conserved in available vertebrate species. In addition, this alteration is predicted to be tolerated by in silico analysis. Since supporting evidence is limited at this time, the clinical significance of this alteration remains unclear.

Center for Advanced Laboratory Medicine, UC San Diego Health, University of California San Diego
Classification: Uncertain significance for Arrhythmogenic right ventricular cardiomyopathy. Last evaluated: 2017-08-30. Review status: criteria provided, single submitter. Criteria: ACMG Guidelines, 2015. Collection method: clinical testing. Allele origin: germline. Affected: yes. Observed: 1 variant allele.

Biesecker Lab/Clinical Genomics Section, National Institutes of Health
Classification: Uncertain significance. Last evaluated: 2013-06-24. Review status: criteria provided, single submitter. Criteria: Ng et al. (Circ Cardiovasc Genet. 2013). Collection method: research. Allele origin: unknown. Observed: 1 variant allele. Study: ClinSeq.
Comment: The study set was not selected for affection status in relation to any cancer. Pathogenicity categories were based on literature curation. See Pubmed ID:23861362 for details.

Medical sequencing

Literature cited by the submitters: PubMed 28611029 (cited by 5 submitters); PubMed 35629155 (cited by Labcorp Genetics (formerly Invitae), Labcorp and Women's Health and Genetics/Laboratory Corporation of America, LabCorp); PubMed 23861362 (cited by Ambry Genetics).

NM_000432.4(MYL2):c.433G>A (p.Asp145Asn)

Gene: MYL2 (myosin light chain 2; minus strand). Cytogenetic location: 12q24.11.
Variant type: single nucleotide variant.
Coding change: c.433G>A on transcript NM_000432.4 (MANE Select); coding-DNA position 433, G replaced by A.
Protein change: p.Asp145Asn; replaces aspartic acid 145 with asparagine.
Molecular consequence: missense variant.
Genome position (GRCh38, 1-based): chr12:110,911,145, C>T on the plus strand (G>A on the coding strand, the complement: MYL2 is on the minus strand). VCF-style: chr12-110911145-C-T. GRCh37 (hg19) VCF-style: chr12-111348949-C-T.
Other names: short protein forms D145N.
Identifiers: ClinVar variation 191733 (VCV000191733.20), dbSNP rs199567559, ClinGen allele CA010362.